The following is an entry in ClinVar:

NM_002230.4(JUP):c.708-4C>G

Gene: JUP (junction plakoglobin; minus strand). Cytogenetic location: 17q21.2.
Variant type: single nucleotide variant.
Coding change: c.708-4C>G on transcript NM_002230.4 (MANE Select); 4 bases into the intron before coding-DNA position 708, C replaced by G.
Molecular consequence: intron variant.
Genome position (GRCh38, 1-based): chr17:41,767,584, G>C on the plus strand (C>G on the coding strand, the complement: JUP is on the minus strand). VCF-style: chr17-41767584-G-C. GRCh37 (hg19) VCF-style: chr17-39923836-G-C.
Other names: c.708-4C>G (NM_001352774.2, NM_021991.4, NM_001352776.2 and 4 more transcripts).
Identifiers: ClinVar variation 45855 (VCV000045855.27), dbSNP rs201313464, ClinGen allele CA137233.

ClinVar aggregate classification (germline): Benign/Likely benign. Review status: criteria provided, multiple submitters, no conflicts (2 of 4 stars). 9 submissions from 9 submitters: Benign (3); Likely benign (6). Last evaluated 2026-02-04.

Conditions:
JUP-related disorder. Also called: JUP-related condition.
Cardiovascular phenotype. Identifiers: MedGen CN230736.
Naxos disease (NXD). Also called: WOOLLY HAIR, PALMOPLANTAR KERATODERMA, AND CARDIAC ABNORMALITIES; KERATOSIS PALMOPLANTARIS WITH ARRHYTHMOGENIC CARDIOMYOPATHY; MAL DE NAXOS; PALMOPLANTAR KERATODERMA WITH ARRHYTHMOGENIC RIGHT VENTRICULAR CARDIOMYOPATHY AND WOOLLY HAIR; CARDIOMYOPATHY, ARRHYTHMOGENIC RIGHT VENTRICULAR, WITH SKIN, HAIR, AND NAIL ABNORMALITIES. Identifiers: Orphanet 34217, MedGen C1832600, MONDO:0011017, OMIM 601214.
Arrhythmogenic right ventricular dysplasia 12. Also called: ARRHYTHMOGENIC RIGHT VENTRICULAR DYSPLASIA, FAMILIAL, 12. Identifiers: MedGen C1969081, MONDO:0012684, OMIM 611528.
Cardiomyopathy (CMYO). Also called: Cardiomyopathies. Identifiers: Orphanet 167848, MedGen C0878544, MONDO:0004994, HP:0001638. Inheritance: Various modes of inheritance.

Allele frequency attached by ClinVar (database versions not stated): TOPMed 0.00021; ESP Exome Variant Server 0.00015; gnomAD 0.00015 and 0.00014; 1000 Genomes Project 30x 0.00016; gnomAD exomes 0.00016; 1000 Genomes Project 0.00020; ExAC 0.00012.
gnomAD v4.1: 212 of 1,604,356 alleles (0.013%); highest among the groups gnomAD compares: Admixed American, 0.047%; no homozygotes.

Submissions (9):

Labcorp Genetics (formerly Invitae), Labcorp
Classification: Likely benign for Arrhythmogenic right ventricular dysplasia 12; Naxos disease. Last evaluated: 2026-02-04. Review status: criteria provided, single submitter. Criteria: Invitae Variant Classification Sherloc (09022015). Collection method: clinical testing. Allele origin: germline.

PreventionGenetics, part of Exact Sciences
Classification: Likely benign for JUP-related condition. Last evaluated: 2025-08-14. Review status: criteria provided, single submitter. Criteria: ACMG Guidelines, 2015. Collection method: clinical testing. Allele origin: germline.
Comment: This variant is classified as likely benign based on ACMG/AMP sequence variant interpretation guidelines (Richards et al. 2015 PMID: 25741868, with internal and published modifications).

Molecular Diagnostic Laboratory for Inherited Cardiovascular Disease, Montreal Heart Institute
Classification: Likely benign. Last evaluated: 2025-04-09. Review status: criteria provided, single submitter. Criteria: ACMG Guidelines, 2015. Collection method: clinical testing. Allele origin: germline. Affected: no.

Blueprint Genetics
Classification: Likely benign. Last evaluated: 2024-07-09. Review status: criteria provided, single submitter. Criteria: ACMG Guidelines, 2015. Collection method: clinical testing. Allele origin: germline.

Women's Health and Genetics/Laboratory Corporation of America, LabCorp
Classification: Benign. Last evaluated: 2024-01-09. Review status: criteria provided, single submitter. Criteria: LabCorp Variant Classification Summary - May 2015. Collection method: clinical testing. Allele origin: germline.
Comment: Variant summary: JUP c.708-4C>G alters a non-conserved nucleotide located close to a canonical splice site and therefore could affect mRNA splicing, leading to a significantly altered protein sequence. Consensus agreement among computation tools predict no significant impact on normal splicing. However, these predictions have yet to be confirmed by functional studies. The variant allele was found at a frequency of 0.00016 in 244770 control chromosomes. The observed variant frequency is approximately 25.5-fold of the estimated maximal expected allele frequency for a pathogenic variant in JUP causing Arrhythmogenic Right Ventricular Dysplasia/Cardiomyopathy phenotype (6.3e-06), strongly suggesting that the variant is benign. c.708-4C>G has been reported in the literature in individuals affected with dilated cardiomyopathy without evidence of causality (Pugh_2014). This report does not provide unequivocal conclusions about association of the variant with Arrhythmogenic Right Ventricular Dysplasia/Cardiomyopathy. To our knowledge, no experimental evidence demonstrating an impact on protein function has been reported. The following publication has been ascertained in the context of this evaluation (PMID: 24503780). ClinVar contains an entry for this variant (Variation ID: 45855). Based on the evidence outlined above, the variant was classified as benign.

Ambry Genetics
Classification: Benign for Cardiovascular phenotype. Last evaluated: 2022-05-27. Review status: criteria provided, single submitter. Criteria: Ambry Variant Classification Scheme 2023. Collection method: clinical testing. Allele origin: germline.

CHEO Genetics Diagnostic Laboratory, Children's Hospital of Eastern Ontario
Classification: Likely benign for Cardiomyopathy. Last evaluated: 2020-02-19. Review status: criteria provided, single submitter. Criteria: ACMG Guidelines, 2015. Collection method: clinical testing. Allele origin: germline.

Laboratory for Molecular Medicine, Mass General Brigham Personalized Medicine
Classification: Likely benign. Last evaluated: 2016-05-18. Review status: criteria provided, single submitter. Criteria: LMM Criteria. Collection method: clinical testing. Allele origin: germline. Observed: 1 variant allele.
Comment: c.708-4C>G in intron 4 of JUP: This variant is not expected to have clinical sig nificance because it is not located within the splice consensus sequence. It has been identified in 4/10616 Latino chromosomes by the Exome Aggregation Consorti um (ExAC; dbSNP rs201313464).

GeneDx
Classification: Benign. Last evaluated: 2015-03-03. Review status: criteria provided, single submitter. Criteria: GeneDx Variant Classification Process June 2021. Collection method: clinical testing. Allele origin: germline. Affected: yes.

Literature cited by the submitters: PubMed 24503780 (cited by Women's Health and Genetics/Laboratory Corporation of America, LabCorp and Ambry Genetics).